The following is an entry in ClinVar:

NM_001358530.2(MOCS1):c.1275del (p.Gly426fs)

Gene: MOCS1 (molybdenum cofactor synthesis 1; minus strand). Cytogenetic location: 6p21.2.
Variant type: Deletion.
Coding change: c.1275del on transcript NM_001358530.2 (MANE Select); coding-DNA position 1275, one base deleted (A; older notation c.1275delA).
Protein change: p.Gly426fs; shifts the reading frame from glycine 426.
Molecular consequence: frameshift variant. On other transcripts: 3 prime UTR variant (4), non-coding transcript variant (1).
Genome position (GRCh38, 1-based): chr6:39,906,993, T deleted on the plus strand (A on the coding strand, the reverse complement: MOCS1 is on the minus strand); the first of 3 consecutive T bases (chr6:39,906,993-39,906,995); deleting any one gives the same sequence. VCF-style (leftmost placement, unchanged base first): chr6-39906992-CT-C. GRCh37 (hg19) VCF-style: chr6-39874768-CT-C.
Other names: c.*132del (NM_001075098.4, NM_001358533.2, NM_001358534.2 and 1 more transcripts); c.1227del, p.Gly410fs (NM_001358529.2); c.1014del, p.Gly339fs (NM_001358531.2); short protein forms G339fs, G410fs, G426fs.
Identifiers: ClinVar variation 2872535 (VCV002872535.4), dbSNP rs1562083594, ClinGen allele CA566886671.

ClinVar aggregate classification (germline): Pathogenic/Likely pathogenic. Review status: criteria provided, multiple submitters, no conflicts (2 of 4 stars). 2 submissions from 2 submitters: Pathogenic (1); Likely pathogenic (1). Last evaluated 2024-10-14.

Conditions:
Sulfite oxidase deficiency due to molybdenum cofactor deficiency type A. Also called: Molybdenum cofactor deficiency, complementation group A; Molybdenum Cofactor Deficiency A. Identifiers: Orphanet 308386, Orphanet 833, MedGen C1854988, MONDO:0009643, OMIM 252150.

Submissions (2):

3billion
Classification: Likely pathogenic for Sulfite oxidase deficiency due to molybdenum cofactor deficiency type A. Last evaluated: 2024-10-14. Review status: criteria provided, single submitter. Criteria: ACMG Guidelines, 2015. Collection method: clinical testing. Allele origin: germline. Affected: yes.
Comment: The variant is observed at an extremely low frequency in the gnomAD v4.1.0 dataset (total allele frequency: <0.001%). Predicted Consequence/Location: Frameshift: predicted to result in a loss or disruption of normal protein function through protein truncation. The predicted truncated protein may be shortened by more than 10%. The variant has been reported to be associated with MOCS1 related disorder (ClinVar ID: VCV002872535). Therefore, this variant is classified as Likely pathogenic according to the recommendation of ACMG/AMP guideline.

Labcorp Genetics (formerly Invitae), Labcorp
Classification: Pathogenic for Sulfite oxidase deficiency due to molybdenum cofactor deficiency type A. Last evaluated: 2024-01-11. Review status: criteria provided, single submitter. Criteria: Invitae Variant Classification Sherloc (09022015). Collection method: clinical testing. Allele origin: germline.
Comment: This sequence change creates a premature translational stop signal (p.Gly426Aspfs*10) in the MOCS1 gene. While this is not anticipated to result in nonsense mediated decay, it is expected to disrupt the last 211 amino acid(s) of the MOCS1 protein. This variant is present in population databases (no rsID available, gnomAD 0.02%). This variant has not been reported in the literature in individuals affected with MOCS1-related conditions. This variant disrupts a region of the MOCS1 protein in which other variant(s) (p.Glu503Alafs*103 ) have been determined to be pathogenic (PMID: 9731530, 9921896). This suggests that this is a clinically significant region of the protein, and that variants that disrupt it are likely to be disease-causing. For these reasons, this variant has been classified as Pathogenic.

Literature cited by the submitters: PubMed 9731530 (cited by Labcorp Genetics (formerly Invitae), Labcorp); PubMed 9921896 (cited by Labcorp Genetics (formerly Invitae), Labcorp).